The following is an entry in ClinVar:

ClinVar aggregate classification (germline): Uncertain significance (1 of 4 stars; one submission).

Conditions:
RP1L1-related disorder. Also called: RP1L1-related condition.

gnomAD v4.1: 9 of 1,614,004 alleles (0.00056%); highest among the groups gnomAD compares: Non-Finnish European, 0.00076%; no homozygotes.

Submission:

PreventionGenetics, part of Exact Sciences
Classification: Uncertain significance for RP1L1-related condition. Last evaluated: 2026-03-23. Review status: criteria provided, single submitter. Criteria: ACMG Guidelines, 2015. Collection method: clinical testing. Allele origin: germline.
Comment: The RP1L1 c.3745G>C variant is predicted to result in the amino acid substitution p.Asp1249His. To our knowledge, this variant has not been reported in the literature. This variant is reported in 0.0065% of alleles in individuals of European (Non-Finnish) descent in gnomAD. At this time, the clinical significance of this variant is uncertain due to the absence of conclusive functional and genetic evidence.

NM_178857.6(RP1L1):c.3745G>C (p.Asp1249His)

Gene: RP1L1 (RP1 like 1). Cytogenetic location: 8p23.1.
Variant type: single nucleotide variant.
Coding change: c.3745G>C on transcript NM_178857.6 (MANE Select); coding-DNA position 3745, G replaced by C.
Protein change: p.Asp1249His; replaces aspartic acid 1249 with histidine.
Molecular consequence: missense variant.
Genome position (GRCh38, 1-based): chr8:10,610,353, C>G on the plus strand (G>C on the coding strand, the complement: RP1L1 is on the minus strand). VCF-style: chr8-10610353-C-G. GRCh37 (hg19) VCF-style: chr8-10467863-C-G.
Other names: short protein forms D1249H.
Identifiers: ClinVar variation 4988278 (VCV004988278.1).